The following is an entry in ClinVar:

ClinVar aggregate classification (germline): Uncertain significance (1 of 4 stars; one submission).

Submission:

Women's Health and Genetics/Laboratory Corporation of America, LabCorp
Classification: Uncertain significance. Last evaluated: 2022-11-30. Review status: criteria provided, single submitter. Criteria: LabCorp Variant Classification Summary - May 2015. Collection method: clinical testing. Allele origin: germline.
Comment: Variant summary: MESP2 c.832_838delinsACCCCTTG (p.Cys278ThrfsX89) results in a premature termination codon, in the first exon of a two exon protein within 50 bp of the splice site and is predicted to cause a truncation of the encoded protein or absence of the protein due to nonsense mediated decay. No downstream truncating variants have been reported in our lab or in HGMD in association with Spondylocostal Dysostosis 2. The variant was absent in 244482 control chromosomes (gnomAD). The available data on variant occurrences in the general population are insufficient to allow any conclusion about variant significance. To our knowledge, no occurrence of c.832_838delinsACCCCTTG in individuals affected with Spondylocostal Dysostosis 2 and no experimental evidence demonstrating its impact on protein function have been reported. No clinical diagnostic laboratories have submitted clinical-significance assessments for this variant to ClinVar after 2014. Based on the evidence outlined above, the variant was classified as uncertain significance.

NM_001039958.2(MESP2):c.832_838delinsACCCCTTG (p.Cys278fs)

Gene: MESP2 (mesoderm posterior bHLH transcription factor 2; plus strand). Cytogenetic location: 15q26.1.
Variant type: Indel.
Coding change: c.832_838delinsACCCCTTG on transcript NM_001039958.2 (MANE Select); coding-DNA positions 832 to 838, TGTCCCT replaced by ACCCCTTG.
Protein change: p.Cys278fs; shifts the reading frame from cysteine 278.
Molecular consequence: frameshift variant.
Genome position (GRCh38, 1-based): chr15:89,777,189-89,777,195, TGTCCCT replaced by ACCCCTTG. VCF-style: chr15-89777189-TGTCCCT-ACCCCTTG. GRCh37 (hg19) VCF-style: chr15-90320420-TGTCCCT-ACCCCTTG.
Other names: short protein forms C278fs.
Identifiers: ClinVar variation 1804704 (VCV001804704.1), dbSNP rs2505187465, ClinGen allele CA2580090232.